The following is an entry in ClinVar:

NM_001793.6(CDH3):c.719_720insA (p.Asp241fs)

Gene: CDH3 (cadherin 3; plus strand). Cytogenetic location: 16q22.1.
Variant type: Insertion.
Coding change: c.719_720insA on transcript NM_001793.6 (MANE Select); coding-DNA positions 719 to 720, A inserted.
Protein change: p.Asp241fs; shifts the reading frame from aspartic acid 241.
Molecular consequence: frameshift variant.
Genome position: GRCh38 VCF-style: chr16-68679826-C-CA. GRCh37 (hg19) VCF-style: chr16-68713729-C-CA.
Other names: c.719_720insA, p.Asp241fs (NM_001317195.3); c.554_555insA, p.Asp186fs (NM_001317196.2); short protein forms D186fs, D241fs.
Identifiers: ClinVar variation 3010459 (VCV003010459.3), dbSNP rs2543732694, ClinGen allele CA2740093405.

ClinVar aggregate classification (germline): Pathogenic (1 of 4 stars; one submission).

Submission:

Labcorp Genetics (formerly Invitae), Labcorp
Classification: Pathogenic. Last evaluated: 2023-10-13. Review status: criteria provided, single submitter. Criteria: Invitae Variant Classification Sherloc (09022015). Collection method: clinical testing. Allele origin: germline.
Comment: This sequence change creates a premature translational stop signal (p.Asp241Glyfs*2) in the CDH3 gene. It is expected to result in an absent or disrupted protein product. Loss-of-function variants in CDH3 are known to be pathogenic (PMID: 15805154, 27386845, 29620724). This variant is not present in population databases (gnomAD no frequency). This variant has not been reported in the literature in individuals affected with CDH3-related conditions. For these reasons, this variant has been classified as Pathogenic.

Literature cited by the submitters: PubMed 15805154; PubMed 27386845; PubMed 29620724.